The following is an entry in ClinVar:

NM_000260.4(MYO7A):c.1981ATG[1] (p.Met662del)

Gene: MYO7A (myosin VIIA; plus strand). Cytogenetic location: 11q13.5.
Variant type: Microsatellite.
Coding change: c.1981ATG[1] on transcript NM_000260.4 (MANE Select); one copy of the 3-base unit ATG starting at c.1981; the reference has two copies in a row; one copy, 3 bases deleted; also written c.1984_1986del.
Protein change: p.Met662del; deletes methionine 662.
Molecular consequence: inframe deletion.
Genome position (GRCh38, 1-based): chr11:77,174,804-77,174,806, ATG deleted; deleting any 3 consecutive bases within chr11:77,174,801-77,174,806 gives the same sequence; the position shown is the placement nearest the transcript's 3' end. VCF-style (leftmost placement, unchanged base first): chr11-77174800-AATG-A. GRCh37 (hg19) VCF-style: chr11-76885846-AATG-A.
Other names: c.1984_1986del (NM_000260.4); c.1981ATG[1], p.Met662del (NM_001127180.2); c.1948ATG[1], p.Met651del (NM_001369365.1); short protein forms M651del, M662del.
Identifiers: ClinVar variation 3382178 (VCV003382178.2).

ClinVar aggregate classification (germline): Uncertain significance (1 of 4 stars; one submission).

Conditions:
Autosomal recessive nonsyndromic hearing loss 2. Also called: NEUROSENSORY NONSYNDROMIC RECESSIVE DEAFNESS 2; DEAFNESS, AUTOSOMAL RECESSIVE 2. Identifiers: Orphanet 90636, MedGen C1838701, MONDO:0010807, OMIM 600060.
Usher syndrome type 1 (USH1). Also called: RETINITIS PIGMENTOSA AND CONGENITAL DEAFNESS. Identifiers: Orphanet 231169, Orphanet 886, MedGen C1568247, MONDO:0010168, OMIM 276900.

Submission:

Juno Genomics, Hangzhou Juno Genomics, Inc
Classification: Uncertain significance for Autosomal recessive nonsyndromic hearing loss 2; Usher syndrome type 1. Review status: criteria provided, single submitter. Criteria: ACMG Guidelines, 2015. Collection method: clinical testing. Allele origin: germline. Affected: yes.
Comment: Absent from controls (or at extremely low frequency if recessive) in Genome Aggregation Database, Exome Sequencing Project, 1000 Genomes Project, or Exome Aggregation Consortium.;Protein length changes due to in-frame deletions/insertions in a non-repeat region or stop-loss variants.